The following is an entry in ClinVar:

NM_015030.2(FRYL):c.8674G>T (p.Asp2892Tyr)

Gene: FRYL (FRY like transcription coactivator; minus strand). Cytogenetic location: 4p11.
Variant type: single nucleotide variant.
Coding change: c.8674G>T on transcript NM_015030.2 (MANE Select); coding-DNA position 8674, G replaced by T.
Protein change: p.Asp2892Tyr; replaces aspartic acid 2892 with tyrosine.
Molecular consequence: missense variant.
Genome position (GRCh38, 1-based): chr4:48,500,139, C>A on the plus strand (G>T on the coding strand, the complement: FRYL is on the minus strand). VCF-style: chr4-48500139-C-A. GRCh37 (hg19) VCF-style: chr4-48502156-C-A.
Other names: short protein forms D2892Y.
Identifiers: ClinVar variation 4743985 (VCV004743985.1).
Genomic context (GRCh38, chr4:48,500,139, plus strand): 5'-AAGTTTCAATTAAAGAATGAATGGCAGTTTCTATAGTAGTTTGTGCAGCTTTGGAAATGT[C>A]AATTTCTTCGTTTTCGGAAGCGGACTCAGCTTCTTTGAGGATACTTTCCAGTTGGGCAAG-3'
Protein context (NP_055845.1, residues 2882-2902): AESASENEEI[Asp2892Tyr]ISKAAQTTIE

ClinVar aggregate classification (germline): Uncertain significance (1 of 4 stars; one submission).

Submission:

Labcorp Genetics (formerly Invitae), Labcorp
Classification: Uncertain significance. Last evaluated: 2025-02-18. Review status: criteria provided, single submitter. Criteria: Invitae Variant Classification Sherloc (09022015). Collection method: clinical testing. Allele origin: germline.
Comment: This sequence change replaces aspartic acid, which is acidic and polar, with tyrosine, which is neutral and polar, at codon 2892 of the FRYL protein (p.Asp2892Tyr). This variant is not present in population databases (gnomAD no frequency). This variant has not been reported in the literature in individuals affected with FRYL-related conditions. An algorithm developed to predict the effect of missense changes on protein structure and function (PolyPhen-2) suggests that this variant is likely to be tolerated. In summary, the available evidence is currently insufficient to determine the role of this variant in disease. Therefore, it has been classified as a Variant of Uncertain Significance.